The following is an entry in ClinVar:

ClinVar aggregate classification (germline): Uncertain significance. Review status: criteria provided, multiple submitters, no conflicts (2 of 4 stars). 4 submissions from 4 submitters: Uncertain significance (4). Last evaluated 2026-10-15.

Conditions:
Inborn genetic diseases. Identifiers: MedGen C0950123, MeSH D030342.

Allele frequency attached by ClinVar (database versions not stated): ExAC 0.00017; gnomAD 0.00017 and 0.00016; gnomAD exomes 0.00018 and 0.00026; TOPMed 0.00018; ESP Exome Variant Server 0.00023.
gnomAD v4.1: 410 of 1,613,816 alleles (0.025%); highest among the groups gnomAD compares: Non-Finnish European, 0.03%; no homozygotes.

Submissions (4):

GeneDx
Classification: Uncertain significance. Last evaluated: 2026-10-15. Review status: criteria provided, single submitter. Criteria: GeneDx Variant Classification Process June 2021. Collection method: clinical testing. Allele origin: germline.
Comment: In silico analysis suggests that this missense variant does not alter protein structure/function; Has not been previously published as pathogenic or benign to our knowledge

Blueprint Genetics
Classification: Uncertain significance. Last evaluated: 2024-08-23. Review status: criteria provided, single submitter. Criteria: ACMG Guidelines, 2015. Collection method: clinical testing. Allele origin: germline.

Labcorp Genetics (formerly Invitae), Labcorp
Classification: Uncertain significance. Last evaluated: 2022-06-05. Review status: criteria provided, single submitter. Criteria: Invitae Variant Classification Sherloc (09022015). Collection method: clinical testing. Allele origin: germline.
Comment: This sequence change replaces asparagine, which is neutral and polar, with serine, which is neutral and polar, at codon 249 of the MRPL44 protein (p.Asn249Ser). This variant is present in population databases (rs151141775, gnomAD 0.07%). This variant has not been reported in the literature in individuals affected with MRPL44-related conditions. ClinVar contains an entry for this variant (Variation ID: 1301298). Algorithms developed to predict the effect of missense changes on protein structure and function (SIFT, PolyPhen-2, Align-GVGD) all suggest that this variant is likely to be tolerated. In summary, the available evidence is currently insufficient to determine the role of this variant in disease. Therefore, it has been classified as a Variant of Uncertain Significance.

Ambry Genetics
Classification: Uncertain significance for Inborn genetic diseases. Last evaluated: 2021-10-26. Review status: criteria provided, single submitter. Criteria: Ambry Variant Classification Scheme 2023. Collection method: clinical testing. Allele origin: germline.

NM_022915.5(MRPL44):c.746A>G (p.Asn249Ser)

Gene: MRPL44 (mitochondrial ribosomal protein L44; plus strand). Cytogenetic location: 2q36.1.
Variant type: single nucleotide variant.
Coding change: c.746A>G on transcript NM_022915.5 (MANE Select); coding-DNA position 746, A replaced by G.
Protein change: p.Asn249Ser; replaces asparagine 249 with serine.
Molecular consequence: missense variant.
Genome position (GRCh38, 1-based): chr2:223,963,853, A>G. VCF-style: chr2-223963853-A-G. GRCh37 (hg19) VCF-style: chr2-224828570-A-G.
Other names: short protein forms N249S.
Identifiers: ClinVar variation 1301298 (VCV001301298.9), dbSNP rs151141775, ClinGen allele CA2139109.